The following is an entry in ClinVar:

NM_000536.4(RAG2):c.644C>T (p.Thr215Ile)

Gene: RAG2 (recombination activating 2; minus strand). Cytogenetic location: 11p12.
Variant type: single nucleotide variant.
Coding change: c.644C>T on transcript NM_000536.4 (MANE Select); coding-DNA position 644, C replaced by T.
Protein change: p.Thr215Ile; replaces threonine 215 with isoleucine.
Molecular consequence: missense variant.
Genome position (GRCh38, 1-based): chr11:36,593,525, G>A on the plus strand (C>T on the coding strand, the complement: RAG2 is on the minus strand). VCF-style: chr11-36593525-G-A. GRCh37 (hg19) VCF-style: chr11-36615075-G-A.
Other names: W215I; NM_000536.4(RAG2):c.644C>T; p.Thr215Ile; c.644C>T (NM_001243786.1); c.644C>T, p.Thr215Ile (NM_001243785.2, NM_001243786.2); short protein forms T215I.
Identifiers: ClinVar variation 13135 (VCV000013135.26), dbSNP rs35691292, ClinGen allele CA122864.

ClinVar aggregate classification (germline): Benign. Review status: reviewed by expert panel (3 of 4 stars). 13 submissions from 12 submitters: Benign (1). 12 of the submissions do not count toward it. Last evaluated 2024-01-23.

Conditions:
Recombinase activating gene 2 deficiency. Also called: RAG2 deficiency. Identifiers: MedGen CN257931, MONDO:0000573.
Severe combined immunodeficiency, autosomal recessive, T cell-negative, B cell-negative, NK cell-positive. Also called: SCID, AR, T-cell negative, B-cell negative, NK cell-positive; Severe combined immunodeficiency due to complete RAG1/2 deficiency; SCID, T CELL-NEGATIVE, B CELL-NEGATIVE, NK CELL-POSITIVE. Identifiers: Orphanet 331206, MedGen C1832322, MONDO:0011086, OMIM 601457.
Inborn error of immunity. Also called: Primary immunodeficiency; Inborn errors of immunity. Identifiers: Orphanet 101997, MedGen C0398686, MONDO:0003778.
Histiocytic medullary reticulosis. Also called: SEVERE COMBINED IMMUNODEFICIENCY WITH HYPEREOSINOPHILIA; Omenn syndrome. Identifiers: Orphanet 39041, MedGen C2700553, MONDO:0011338, OMIM 603554.
Combined immunodeficiency with skin granulomas. Identifiers: Orphanet 157949, MedGen C2673536, MONDO:0009306, OMIM 233650.
Severe combined immunodeficiency, B cell-negative. Identifiers: MedGen C1867362.

Allele frequency attached by ClinVar (database versions not stated): gnomAD 0.00032; TOPMed 0.00041; 1000 Genomes Project 30x 0.00765; 1000 Genomes Project 0.00779.
gnomAD v4.1: 2,514 of 1,614,142 alleles (0.16%); highest among the groups gnomAD compares: South Asian, 2.4%; 42 homozygotes.

Submissions (13):

ClinGen Severe Combined Immunodeficiency Variant Curation Expert Panel, ClinGen
Classification: Benign for Recombinase activating gene 2 deficiency. Last evaluated: 2024-01-23. Review status: reviewed by expert panel. Criteria: ClinGen SCID ACMG Specifications RAG2 V1.0.0. Collection method: curation. Allele origin: germline. Inheritance: Autosomal recessive inheritance.
Comment: The c.644C>T (NM_000536.4) variant in RAG2 is a missense variant predicted to cause substitution of Threonine by Isoleucine at amino acid 215 (p.Thr215Ile). The filtering allele frequency (the lower threshold of the 95% CI of 2177/91084 alleles) of the c.644C>T variant in RAG2 is 0.02308 for South Asian chromosomes by gnomAD v.4, which is higher than the ClinGen SCID VCEP threshold (>0.00872) for BA1, and therefore meets this criterion (BA1). Additionally, 42 homozygous individuals have been described (40 and 2 individuals in South Asian and "Remaining" populations, respectively (BS2_Supporting). In summary, this variant meets the criteria to be classified as Benign for autosomal recessive recombinase activating gene 2 deficiency based on the ACMG/AMP criteria applied, as specified by the ClinGen SCID VCEP. Criteria applied: BA1 and BS2_Supporting (VCEP specifications version 1.0).

Labcorp Genetics (formerly Invitae), Labcorp
Classification: Benign for Combined immunodeficiency with skin granulomas; Severe combined immunodeficiency, autosomal recessive, T cell-negative, B cell-negative, NK cell-positive. Last evaluated: 2026-01-28. Review status: criteria provided, single submitter. Criteria: Invitae Variant Classification Sherloc (09022015). Collection method: clinical testing. Allele origin: germline. Not counted in ClinVar's aggregate classification.

Mayo Clinic Laboratories, Mayo Clinic
Classification: Benign. Last evaluated: 2025-06-17. Review status: criteria provided, single submitter. Criteria: ACMG Guidelines, 2015. Collection method: clinical testing. Allele origin: germline. Observed: 1 variant allele. Not counted in ClinVar's aggregate classification.
Comment: BS1, BS2

Center for Genomic Medicine, Rigshospitalet, Copenhagen University Hospital
Classification: Benign. Last evaluated: 2025-03-04. Review status: criteria provided, single submitter. Criteria: ACMG Guidelines, 2015. Collection method: clinical testing. Allele origin: germline. Not counted in ClinVar's aggregate classification.

Victorian Clinical Genetics Services, Murdoch Childrens Research Institute
Classification: Likely benign for Severe combined immunodeficiency, autosomal recessive, T cell-negative, B cell-negative, NK cell-positive. Last evaluated: 2022-02-02. Review status: criteria provided, single submitter. Criteria: ACMG Guidelines, 2015. Collection method: clinical testing. Allele origin: germline. Inheritance: Autosomal recessive inheritance. Not counted in ClinVar's aggregate classification.
Comment: Based on the classification scheme VCGS_Germline_v1.3.4, this variant is classified as likely benign. Following criteria are met: 0308 - Population frequency for this variant is out of keeping with known incidence of autosomal recessive B cell-negative severe combined immunodeficiency (MIM#614074). (SB) Legend: (SP) - Supporting pathogenic, (I) - Information, (SB) - Supporting benign

Mendelics
Classification: Likely benign. Last evaluated: 2019-05-28. Review status: criteria provided, single submitter. Criteria: Mendelics Assertion Criteria 2017. Collection method: clinical testing. Allele origin: unknown. Not counted in ClinVar's aggregate classification.

Pediatric Immunology Service, The Chaim Sheba Medical Center at Tel HaShomer
Classification: Uncertain significance for RAG2 deficiency; Primary immunodeficiency; Omenn syndrome; Severe combined immunodeficiency due to complete RAG1/2 deficiency. Last evaluated: 2018-03-06. Review status: criteria provided, single submitter. Criteria: ACMG Guidelines, 2015. Collection method: research. Allele origin: germline. Affected: yes. Not counted in ClinVar's aggregate classification.

Women's Health and Genetics/Laboratory Corporation of America, LabCorp
Classification: Benign. Last evaluated: 2018-02-21. Review status: criteria provided, single submitter. Criteria: LabCorp Variant Classification Summary - May 2015. Collection method: clinical testing. Allele origin: germline. Not counted in ClinVar's aggregate classification.
Comment: Variant summary: RAG2 c.644C>T (p.Thr215Ile) results in a non-conservative amino acid change in the encoded protein sequence. Three of five in-silico tools predict a damaging effect of the variant on protein function. However, these predictions have yet to be functionally assessed. The variant allele was found at a frequency of 0.003 in 277112 control chromosomes in the gnomAD database, including 11 homozygotes. The observed variant frequency is approximately 4.22 fold of the estimated maximal expected allele frequency for a pathogenic variant in RAG2 causing Severe Combined Immunodeficiency Syndrome/Omenn Syndrome phenotype (0.00071), strongly suggesting that the variant is benign. The variant, c.644C>T, has been reported in the literature in individuals affected with Severe Combined Immunodeficiency Syndrome/Omenn Syndrome (Tabori_2004, Lev_2012, Meshaal_2015). These reports do not provide unequivocal conclusions about association of the variant with Severe Combined Immunodeficiency Syndrome/Omenn Syndrome. A ClinVar Submission from a clinical diagnostic laboratory (evaluation after 2014) classifies the variant as benign. Based on the evidence outlined above, the variant was classified as benign.

Illumina Laboratory Services, Illumina
Classification: Benign for Histiocytic medullary reticulosis. Last evaluated: 2017-04-27. Review status: criteria provided, single submitter. Criteria: ICSL Variant Classification Criteria 13 December 2019. Collection method: clinical testing. Allele origin: germline. Not counted in ClinVar's aggregate classification.
Comment: This variant was observed as part of a predisposition screen in an ostensibly healthy population. A literature search was performed for the gene, cDNA change, and amino acid change (where applicable). Publications were found based on this search. The evidence from the literature, in combination with allele frequency data from public databases where available, was sufficient to rule this variant out of causing disease. Therefore, this variant is classified as benign.

Illumina Laboratory Services, Illumina
Classification: Benign for Severe combined immunodeficiency, autosomal recessive, T cell-negative, B cell-negative, NK cell-positive. Last evaluated: 2017-04-27. Review status: criteria provided, single submitter. Criteria: ICSL Variant Classification Criteria 13 December 2019. Collection method: clinical testing. Allele origin: germline. Not counted in ClinVar's aggregate classification.
Comment: the same text as in the submission from Illumina Laboratory Services, Illumina above.

GeneDx
Classification: Benign. Last evaluated: 2016-12-23. Review status: criteria provided, single submitter. Criteria: GeneDx Variant Classification (06012015). Collection method: clinical testing. Allele origin: germline. Affected: yes. Not counted in ClinVar's aggregate classification.
Comment: This variant is considered likely benign or benign based on one or more of the following criteria: it is a conservative change, it occurs at a poorly conserved position in the protein, it is predicted to be benign by multiple in silico algorithms, and/or has population frequency not consistent with disease.

Natera, Inc.
Classification: Benign for Omenn syndrome. Last evaluated: 2020-04-13. Review status: no assertion criteria provided. Collection method: clinical testing. Allele origin: germline. Not counted in ClinVar's aggregate classification.

OMIM
Classification: Pathogenic for SEVERE COMBINED IMMUNODEFICIENCY, B CELL-NEGATIVE. Last evaluated: 2004-04-01. Review status: no assertion criteria provided. Collection method: literature only. Allele origin: germline. Not counted in ClinVar's aggregate classification.

Literature cited by the submitters: PubMed 15025726 (cited by 3 submitters); PubMed 25869295 (cited by 3 submitters); PubMed 22295088 (cited by Women's Health and Genetics/Laboratory Corporation of America, LabCorp and Illumina Laboratory Services, Illumina).